The following is an entry in ClinVar:

NM_006648.4(WNK2):c.5915C>T (p.Ser1972Phe)

Gene: WNK2 (WNK lysine deficient protein kinase 2; plus strand). Cytogenetic location: 9q22.31.
Variant type: single nucleotide variant.
Coding change: c.5915C>T on transcript NM_006648.4 (MANE Select); coding-DNA position 5915, C replaced by T.
Protein change: p.Ser1972Phe; replaces serine 1972 with phenylalanine.
Molecular consequence: missense variant.
Genome position (GRCh38, 1-based): chr9:93,298,059, C>T. VCF-style: chr9-93298059-C-T. GRCh37 (hg19) VCF-style: chr9-96060341-C-T.
Other names: c.6026C>T, p.Ser2009Phe (NM_001282394.3); short protein forms S2009F, S1972F.
Identifiers: ClinVar variation 3470665 (VCV003470665.1).

ClinVar aggregate classification (germline): Uncertain significance (1 of 4 stars; one submission).

gnomAD v4.1: 3 of 1,549,992 alleles (0.00019%); highest among the groups gnomAD compares: Non-Finnish European, 0.00026%; no homozygotes.

Submission:

Ambry Genetics
Classification: Uncertain significance. Last evaluated: 2024-12-08. Review status: criteria provided, single submitter. Criteria: Ambry Variant Classification Scheme 2023. Collection method: clinical testing. Allele origin: germline.
Comment: The p.S1972F variant (also known as c.5915C>T), located in coding exon 23 of the WNK2 gene, results from a C to T substitution at nucleotide position 5915. The serine at codon 1972 is replaced by phenylalanine, an amino acid with highly dissimilar properties. This amino acid position is conserved. In addition, the in silico prediction for this alteration is inconclusive. Based on the available evidence, the clinical significance of this variant remains unclear.